The following is an entry in ClinVar:

ClinVar aggregate classification (germline): Pathogenic (1 of 4 stars; one submission).

Submissions (2):

Labcorp Genetics (formerly Invitae), Labcorp
Classification: Pathogenic. Last evaluated: 2022-07-11. Review status: criteria provided, single submitter. Criteria: Invitae Variant Classification Sherloc (09022015). Collection method: clinical testing. Allele origin: germline.
Comment: ClinVar contains an entry for this variant (Variation ID: 1453791). This variant has not been reported in the literature in individuals affected with PLS3-related conditions. This variant is not present in population databases (gnomAD no frequency). This sequence change creates a premature translational stop signal (p.Trp442*) in the PLS3 gene. It is expected to result in an absent or disrupted protein product. Loss-of-function variants in PLS3 are known to be pathogenic (PMID: 24088043, 30405713, 33166085). For these reasons, this variant has been classified as Pathogenic.

Dr. Peter K. Rogan Lab, Western University
No classification provided (evidence only). Condition: Thyroid cancer, nonmedullary, 1. Review status: no classification provided. Collection method: in vitro. Allele origin: not applicable. Functional consequence: retained intron. Not counted in ClinVar's aggregate classification.

Literature cited by the submitters: PubMed 24088043 (cited by Labcorp Genetics (formerly Invitae), Labcorp); PubMed 30405713 (cited by Labcorp Genetics (formerly Invitae), Labcorp); PubMed 33166085 (cited by Labcorp Genetics (formerly Invitae), Labcorp).

NM_005032.7(PLS3):c.1326G>A (p.Trp442Ter)

Gene: PLS3 (plastin 3; plus strand). Cytogenetic location: Xq23.
Variant type: single nucleotide variant.
Coding change: c.1326G>A on transcript NM_005032.7 (MANE Select); coding-DNA position 1326, G replaced by A.
Protein change: p.Trp442Ter; replaces tryptophan 442 with a stop codon.
Molecular consequence: nonsense.
Genome position (GRCh38, 1-based): chrX:115,646,135, G>A. VCF-style: chrX-115646135-G-A. GRCh37 (hg19) VCF-style: chrX-114880455-G-A.
Other names: c.1326G>A, p.Trp442Ter (NM_001136025.5); c.1245G>A, p.Trp415Ter (NM_001172335.3); c.1287G>A, p.Trp429Ter (NM_001282337.2); c.1191G>A, p.Trp397Ter (NM_001282338.2); short protein forms W397*, W442*, W415*, W429*.
Identifiers: ClinVar variation 1453791 (VCV001453791.7), dbSNP rs2147585672, ClinGen allele CA414335720.
Genomic context (GRCh38, chrX:115,646,135, plus strand): 5'-CCTGCAAGATGCCCTGGTAATCTTACAGTTATATGAACGAATTAAAGTTCCTGTTGACTG[G>A]AGTAAGGTTAATAAACCTCCATACCCGAAACTGGGAGCCAACATGAAAAAGGTAGATAAT-3'